The following is an entry in ClinVar:

NM_014989.7(RIMS1):c.1795C>T (p.Arg599Cys)

Gene: RIMS1 (regulating synaptic membrane exocytosis 1; plus strand). Cytogenetic location: 6q13.
Variant type: single nucleotide variant.
Coding change: c.1795C>T on transcript NM_014989.7 (MANE Select); coding-DNA position 1795, C replaced by T.
Protein change: p.Arg599Cys; replaces arginine 599 with cysteine.
Molecular consequence: missense variant. On other transcripts: 5 prime UTR variant (9).
Genome position (GRCh38, 1-based): chr6:72,235,666, C>T. VCF-style: chr6-72235666-C-T. GRCh37 (hg19) VCF-style: chr6-72945369-C-T.
Other names: c.217C>T, p.Arg73Cys (NM_001168407.2, NM_001168408.2, NM_001350414.2 and 37 more transcripts); c.-27C>T (NM_001168409.2, NM_001350461.2, NM_001350463.2 and 6 more transcripts); c.172C>T, p.Arg58Cys (NM_001168410.2, NM_001350470.2, NM_001350472.2 and 2 more transcripts); c.148C>T, p.Arg50Cys (NM_001350421.2, NM_001350424.2, NM_001350428.2 and 6 more transcripts); short protein forms R58C, R599C, R50C, R73C.
Identifiers: ClinVar variation 1401686 (VCV001401686.6), dbSNP rs745682771, ClinGen allele CA3885819.

ClinVar aggregate classification (germline): Uncertain significance (1 of 4 stars; one submission).

Allele frequency attached by ClinVar (database versions not stated): gnomAD 0.00001; gnomAD exomes 0.00002; TOPMed 0.00003; ExAC 0.00004.
gnomAD v4.1: 31 of 1,611,042 alleles (0.0019%); highest among the groups gnomAD compares: Middle Eastern, 0.082%; 1 homozygote.

Submission:

Labcorp Genetics (formerly Invitae), Labcorp
Classification: Uncertain significance. Last evaluated: 2024-11-25. Review status: criteria provided, single submitter. Criteria: Invitae Variant Classification Sherloc (09022015). Collection method: clinical testing. Allele origin: germline.
Comment: This sequence change replaces arginine, which is basic and polar, with cysteine, which is neutral and slightly polar, at codon 599 of the RIMS1 protein (p.Arg599Cys). This variant is present in population databases (rs745682771, gnomAD 0.01%). This variant has not been reported in the literature in individuals affected with RIMS1-related conditions. ClinVar contains an entry for this variant (Variation ID: 1401686). An algorithm developed to predict the effect of missense changes on protein structure and function (PolyPhen-2) suggests that this variant is likely to be disruptive. In summary, the available evidence is currently insufficient to determine the role of this variant in disease. Therefore, it has been classified as a Variant of Uncertain Significance.